The following is an entry in ClinVar:

NM_001197104.2(KMT2A):c.9217C>A (p.His3073Asn)

Gene: KMT2A (lysine methyltransferase 2A; plus strand). Cytogenetic location: 11q23.3.
Variant type: single nucleotide variant.
Coding change: c.9217C>A on transcript NM_001197104.2 (MANE Select); coding-DNA position 9217, C replaced by A.
Protein change: p.His3073Asn; replaces histidine 3073 with asparagine.
Molecular consequence: missense variant.
Genome position (GRCh38, 1-based): chr11:118,505,109, C>A. VCF-style: chr11-118505109-C-A. GRCh37 (hg19) VCF-style: chr11-118375824-C-A.
Other names: c.9307C>A, p.His3103Asn (NM_001412597.1); c.9208C>A, p.His3070Asn (NM_005933.4); short protein forms H3103N, H3070N, H3073N.
Identifiers: ClinVar variation 2909456 (VCV002909456.4), dbSNP rs376161579, ClinGen allele CA6304565.

ClinVar aggregate classification (germline): Conflicting classifications of pathogenicity. Review status: criteria provided, conflicting classifications (1 of 4 stars). 2 submissions from 2 submitters: Uncertain significance (1); Likely benign (1). Last evaluated 2025-05-01.

Conditions:
Inborn genetic diseases. Identifiers: MedGen C0950123, MeSH D030342.

gnomAD v4.1: 18 of 1,614,032 alleles (0.0011%); highest among the groups gnomAD compares: African/African-American, 0.019%; no homozygotes.

Submissions (2):

Ambry Genetics
Classification: Likely benign for Inborn genetic diseases. Last evaluated: 2025-05-01. Review status: criteria provided, single submitter. Criteria: Ambry Variant Classification Scheme 2023. Collection method: clinical testing. Allele origin: germline.

Labcorp Genetics (formerly Invitae), Labcorp
Classification: Uncertain significance. Last evaluated: 2023-09-13. Review status: criteria provided, single submitter. Criteria: Invitae Variant Classification Sherloc (09022015). Collection method: clinical testing. Allele origin: germline.
Comment: This sequence change replaces histidine, which is basic and polar, with asparagine, which is neutral and polar, at codon 3073 of the KMT2A protein (p.His3073Asn). The frequency data for this variant in the population databases is considered unreliable, as metrics indicate poor data quality at this position in the gnomAD database. In summary, the available evidence is currently insufficient to determine the role of this variant in disease. Therefore, it has been classified as a Variant of Uncertain Significance. Advanced modeling of protein sequence and biophysical properties (such as structural, functional, and spatial information, amino acid conservation, physicochemical variation, residue mobility, and thermodynamic stability) performed at Invitae indicates that this missense variant is not expected to disrupt KMT2A protein function. This variant has not been reported in the literature in individuals affected with KMT2A-related conditions.